The following is an entry in ClinVar:

ClinVar aggregate classification (germline): Uncertain significance. Review status: criteria provided, multiple submitters, no conflicts (2 of 4 stars). 4 submissions from 4 submitters: Uncertain significance (4). Last evaluated 2025-11-10.

Conditions:
Combined immunodeficiency due to DOCK8 deficiency (HIES2). Also called: HIES autosomal recessive; HYPER-IgE SYNDROME 2, AUTOSOMAL RECESSIVE, WITH RECURRENT INFECTIONS; HYPER-IgE RECURRENT INFECTION SYNDROME 2, AUTOSOMAL RECESSIVE; DOCK8 Deficiency; Hyper-IgE recurrent infection syndrome, autosomal recessive. Identifiers: Orphanet 217390, MedGen C4722305, MONDO:0009478, OMIM 243700.

Allele frequency attached by ClinVar (database versions not stated): ExAC 0.00002; TOPMed 0.00003.

Submissions (4):

Women's Health and Genetics/Laboratory Corporation of America, LabCorp
Classification: Uncertain significance. Last evaluated: 2025-11-10. Review status: criteria provided, single submitter. Criteria: LabCorp Variant Classification Summary - May 2015. Collection method: clinical testing. Allele origin: germline.
Comment: Variant summary: DOCK8 c.4268C>G (p.Ala1423Gly) results in a non-conservative amino acid change in the encoded protein sequence. Algorithms developed to predict the effect of missense changes on protein structure and function are either unavailable or do not agree on the potential impact of this missense change. The variant allele was found at a frequency of 8e-06 in 251380 control chromosomes. The available data on variant occurrences in the general population are insufficient to allow any conclusion about variant significance. c.4268C>G has been observed in individual(s) affected with DOCK8 related disorders. These report(s) do not provide unequivocal conclusions about association of the variant with Severe Combined Immunodeficiency. To our knowledge, no experimental evidence demonstrating an impact on protein function has been reported. The following publications have been ascertained in the context of this evaluation (PMID: 31375768, 32625199). ClinVar contains an entry for this variant (Variation ID: 835701). Based on the evidence outlined above, the variant was classified as uncertain significance.

Labcorp Genetics (formerly Invitae), Labcorp
Classification: Uncertain significance for Combined immunodeficiency due to DOCK8 deficiency. Last evaluated: 2025-09-06. Review status: criteria provided, single submitter. Criteria: Invitae Variant Classification Sherloc (09022015). Collection method: clinical testing. Allele origin: germline.
Comment: This sequence change replaces alanine, which is neutral and non-polar, with glycine, which is neutral and non-polar, at codon 1423 of the DOCK8 protein (p.Ala1423Gly). This variant is present in population databases (rs750589703, gnomAD 0.002%). This variant has not been reported in the literature in individuals affected with DOCK8-related conditions. ClinVar contains an entry for this variant (Variation ID: 835701). Invitae Evidence Modeling of protein sequence and biophysical properties (such as structural, functional, and spatial information, amino acid conservation, physicochemical variation, residue mobility, and thermodynamic stability) has been performed for this missense variant. However, the output from this modeling did not meet the statistical confidence thresholds required to predict the impact of this variant on DOCK8 protein function. In summary, the available evidence is currently insufficient to determine the role of this variant in disease. Therefore, it has been classified as a Variant of Uncertain Significance.

Revvity Omics, Revvity
Classification: Uncertain significance for Combined immunodeficiency due to DOCK8 deficiency. Last evaluated: 2022-11-29. Review status: criteria provided, single submitter. Criteria: ACMG Guidelines, 2015. Collection method: clinical testing. Allele origin: germline.

Baylor Genetics
Classification: Uncertain significance for Combined immunodeficiency due to DOCK8 deficiency. Last evaluated: 2019-11-08. Review status: criteria provided, single submitter. Criteria: ACMG Guidelines, 2015. Collection method: clinical testing. Allele origin: unknown. Affected: yes.
Comment: This variant was determined to be of uncertain significance according to ACMG Guidelines, 2015 [PMID:25741868].

Literature cited by the submitters: PubMed 31375768 (cited by Women's Health and Genetics/Laboratory Corporation of America, LabCorp); PubMed 32625199 (cited by Women's Health and Genetics/Laboratory Corporation of America, LabCorp).

NM_203447.4(DOCK8):c.4268C>G (p.Ala1423Gly)

Gene: DOCK8 (dedicator of cytokinesis 8; plus strand). Cytogenetic location: 9p24.3.
Variant type: single nucleotide variant.
Coding change: c.4268C>G on transcript NM_203447.4 (MANE Select); coding-DNA position 4268, C replaced by G.
Protein change: p.Ala1423Gly; replaces alanine 1423 with glycine.
Molecular consequence: missense variant.
Genome position (GRCh38, 1-based): chr9:426,911, C>G. VCF-style: chr9-426911-C-G. GRCh37 (hg19) VCF-style: chr9-426911-C-G.
Other names: c.3968C>G, p.Ala1323Gly (NM_001190458.2); c.4064C>G, p.Ala1355Gly (NM_001193536.2); short protein forms A1323G, A1355G, A1423G.
Identifiers: ClinVar variation 835701 (VCV000835701.12), dbSNP rs750589703, ClinGen allele CA4959019.